The following is an entry in ClinVar:

ClinVar aggregate classification (germline): Uncertain significance. Review status: criteria provided, multiple submitters, no conflicts (2 of 4 stars). 4 submissions from 4 submitters: Uncertain significance (4). Last evaluated 2024-11-22.

Conditions:
Sessile serrated polyposis cancer syndrome (SSPCS). Identifiers: Orphanet 157798, MedGen C4310714, MONDO:0014919, OMIM 617108.

Allele frequency attached by ClinVar (database versions not stated): gnomAD 0.00007; TOPMed 0.00007; ESP Exome Variant Server 0.00008.

Submissions (4):

Ambry Genetics
Classification: Uncertain significance. Last evaluated: 2024-11-22. Review status: criteria provided, single submitter. Criteria: Ambry Variant Classification Scheme 2023. Collection method: clinical testing. Allele origin: germline.
Comment: The p.R343C variant (also known as c.1027C>T), located in coding exon 8 of the RNF43 gene, results from a C to T substitution at nucleotide position 1027. The arginine at codon 343 is replaced by cysteine, an amino acid with highly dissimilar properties. This amino acid position is conserved. In addition, this alteration is predicted to be tolerated by in silico analysis. Based on the available evidence, the clinical significance of this variant remains unclear.

Labcorp Genetics (formerly Invitae), Labcorp
Classification: Uncertain significance. Last evaluated: 2024-05-23. Review status: criteria provided, single submitter. Criteria: Invitae Variant Classification Sherloc (09022015). Collection method: clinical testing. Allele origin: germline.
Comment: This sequence change replaces arginine, which is basic and polar, with cysteine, which is neutral and slightly polar, at codon 343 of the RNF43 protein (p.Arg343Cys). The frequency data for this variant in the population databases is considered unreliable, as metrics indicate poor data quality at this position in the gnomAD database. This variant has not been reported in the literature in individuals affected with RNF43-related conditions. ClinVar contains an entry for this variant (Variation ID: 1354902). An algorithm developed to predict the effect of missense changes on protein structure and function (PolyPhen-2) suggests that this variant is likely to be disruptive. In summary, the available evidence is currently insufficient to determine the role of this variant in disease. Therefore, it has been classified as a Variant of Uncertain Significance.

GeneDx
Classification: Uncertain significance. Last evaluated: 2024-04-16. Review status: criteria provided, single submitter. Criteria: GeneDx Variant Classification Process June 2021. Collection method: clinical testing. Allele origin: germline. Affected: yes.
Comment: In silico analysis supports that this missense variant does not alter protein structure/function; Has not been previously published as pathogenic or benign to our knowledge; Variants in candidate genes are classified as variants of uncertain significance in accordance with ACMG guidelines (PMID: 25741868)

Baylor Genetics
Classification: Uncertain significance for Sessile serrated polyposis cancer syndrome. Last evaluated: 2024-03-10. Review status: criteria provided, single submitter. Criteria: ACMG Guidelines, 2015. Collection method: clinical testing. Allele origin: unknown.

NM_017763.6(RNF43):c.1027C>T (p.Arg343Cys)

Gene: RNF43 (ring finger protein 43; minus strand). Cytogenetic location: 17q22.
Variant type: single nucleotide variant.
Coding change: c.1027C>T on transcript NM_017763.6 (MANE Select); coding-DNA position 1027, C replaced by T.
Protein change: p.Arg343Cys; replaces arginine 343 with cysteine.
Molecular consequence: missense variant.
Genome position (GRCh38, 1-based): chr17:58,358,749, G>A on the plus strand (C>T on the coding strand, the complement: RNF43 is on the minus strand). VCF-style: chr17-58358749-G-A. GRCh37 (hg19) VCF-style: chr17-56436110-G-A.
Other names: c.1027C>T (NM_017763.4); c.1027C>T, p.Arg343Cys (NM_001305544.3); c.646C>T, p.Arg216Cys (NM_001305545.2); short protein forms R343C, R216C.
Identifiers: ClinVar variation 1354902 (VCV001354902.12), dbSNP rs369745984, ClinGen allele CA8673245.